The following is an entry in ClinVar:

ClinVar aggregate classification (germline): Uncertain significance (1 of 4 stars; one submission).

Submission:

Labcorp Genetics (formerly Invitae), Labcorp
Classification: Uncertain significance. Last evaluated: 2024-03-07. Review status: criteria provided, single submitter. Criteria: Invitae Variant Classification Sherloc (09022015). Collection method: clinical testing. Allele origin: germline.
Comment: This sequence change replaces serine, which is neutral and polar, with arginine, which is basic and polar, at codon 1089 of the DUOX2 protein (p.Ser1089Arg). This variant is not present in population databases (gnomAD no frequency). This missense change has been observed in individual(s) with congenital hypothyroidism (PMID: 33631011). Advanced modeling of protein sequence and biophysical properties (such as structural, functional, and spatial information, amino acid conservation, physicochemical variation, residue mobility, and thermodynamic stability) performed at Invitae indicates that this missense variant is expected to disrupt DUOX2 protein function with a positive predictive value of 80%. In summary, the available evidence is currently insufficient to determine the role of this variant in disease. Therefore, it has been classified as a Variant of Uncertain Significance.

Literature cited by the submitters: PubMed 33631011.

NM_001363711.2(DUOX2):c.3267C>A (p.Ser1089Arg)

Gene: DUOX2 (dual oxidase 2; minus strand). Cytogenetic location: 15q21.1.
Variant type: single nucleotide variant.
Coding change: c.3267C>A on transcript NM_001363711.2 (MANE Select); coding-DNA position 3267, C replaced by A.
Protein change: p.Ser1089Arg; replaces serine 1089 with arginine.
Molecular consequence: missense variant.
Genome position (GRCh38, 1-based): chr15:45,099,810, G>T on the plus strand (C>A on the coding strand, the complement: DUOX2 is on the minus strand). VCF-style: chr15-45099810-G-T. GRCh37 (hg19) VCF-style: chr15-45392008-G-T.
Other names: c.3267C>A, p.Ser1089Arg (NM_014080.5); short protein forms S1089R.
Identifiers: ClinVar variation 2979870 (VCV002979870.3), dbSNP rs202085990, ClinGen allele CA392262192.